The following is an entry in ClinVar:

NM_177438.3(DICER1):c.1017G>A (p.Glu339=)

Gene: DICER1 (dicer 1, ribonuclease III; minus strand). Cytogenetic location: 14q32.13.
Variant type: single nucleotide variant.
Coding change: c.1017G>A on transcript NM_177438.3 (MANE Select); coding-DNA position 1017, G replaced by A.
Protein change: p.Glu339=; no amino-acid change (glutamic acid 339 retained).
Molecular consequence: synonymous variant.
Genome position (GRCh38, 1-based): chr14:95,124,555, C>T on the plus strand (G>A on the coding strand, the complement: DICER1 is on the minus strand). VCF-style: chr14-95124555-C-T. GRCh37 (hg19) VCF-style: chr14-95590892-C-T.
Other names: c.1017G>A, p.Glu339= (NM_001195573.1, NM_001271282.3, NM_001291628.2 and 1 more transcripts).
Identifiers: ClinVar variation 417070 (VCV000417070.18), dbSNP rs755007541, ClinGen allele CA16614401.

ClinVar aggregate classification (germline): Benign/Likely benign. Review status: criteria provided, multiple submitters, no conflicts (2 of 4 stars). 4 submissions from 4 submitters: Benign (1); Likely benign (3). Last evaluated 2026-04-15.

Conditions:
DICER1-related tumor predisposition. Also called: DICER1-related pleuropulmonary blastoma cancer predisposition syndrome; DICER1 syndrome. Identifiers: Orphanet 284343, MedGen C3839822, MONDO:0100216.
Hereditary cancer-predisposing syndrome. Also called: Hereditary Cancer Syndrome; Neoplastic Syndromes, Hereditary; Hereditary neoplastic syndrome; Tumor predisposition. Identifiers: Orphanet 140162, MedGen C0027672, MeSH D009386, MONDO:0015356.

Allele frequency attached by ClinVar (database versions not stated): TOPMed 0.00001.
gnomAD v4.1: 3 of 1,613,856 alleles (0.00019%); highest among the groups gnomAD compares: Non-Finnish European, 0.00017%; no homozygotes.

Submissions (4):

Myriad Genetics, Inc.
Classification: Benign for DICER1-related tumor predisposition. Last evaluated: 2026-04-15. Review status: criteria provided, single submitter. Criteria: Myriad Autosomal Dominant, Autosomal Recessive and X-Linked Classification Criteria (2023). Collection method: clinical testing. Allele origin: unknown.
Comment: This variant is considered benign. This variant is a silent/synonymous amino acid change and it is not expected to impact splicing.

Labcorp Genetics (formerly Invitae), Labcorp
Classification: Likely benign for DICER1-related tumor predisposition. Last evaluated: 2025-10-02. Review status: criteria provided, single submitter. Criteria: Invitae Variant Classification Sherloc (09022015). Collection method: clinical testing. Allele origin: germline.

Hereditary Cancer Group, L’Institut d'Investigació Biomèdica de Bellvitge
Classification: Likely benign for Hereditary cancer-predisposing syndrome. Last evaluated: 2024-12-19. Review status: criteria provided, single submitter. Criteria: Hatton et al. (Hum Mutat. 2023). Collection method: clinical testing. Allele origin: germline. Inheritance: Autosomal dominant inheritance. Affected: yes.
Comment: PM2_supporting, BP4, BP7

Ambry Genetics
Classification: Likely benign for Hereditary cancer-predisposing syndrome. Last evaluated: 2018-04-24. Review status: criteria provided, single submitter. Criteria: Ambry Variant Classification Scheme 2023. Collection method: clinical testing. Allele origin: germline.